The following is an entry in ClinVar:

ClinVar aggregate classification (germline): Uncertain significance (1 of 4 stars; one submission).

gnomAD v4.1: 6 of 1,614,022 alleles (0.00037%); highest among the groups gnomAD compares: African/African-American, 0.0013%; no homozygotes.

Submission:

GeneDx
Classification: Uncertain significance. Last evaluated: 2022-12-13. Review status: criteria provided, single submitter. Criteria: GeneDx Variant Classification Process June 2021. Collection method: clinical testing. Allele origin: germline.
Comment: Not observed at significant frequency in large population cohorts (gnomAD); Has not been previously published as pathogenic or benign to our knowledge; Variants in candidate genes are classified as variants of uncertain significance in accordance with ACMG guidelines (Richards et al., 2015); In silico analysis supports that this missense variant has a deleterious effect on protein structure/function

NM_002332.3(LRP1):c.11120G>A (p.Arg3707His)

Gene: LRP1 (LDL receptor related protein 1; plus strand). Cytogenetic location: 12q13.3.
Variant type: single nucleotide variant.
Coding change: c.11120G>A on transcript NM_002332.3 (MANE Select); coding-DNA position 11120, G replaced by A.
Protein change: p.Arg3707His; replaces arginine 3707 with histidine.
Molecular consequence: missense variant.
Genome position (GRCh38, 1-based): chr12:57,204,675, G>A. VCF-style: chr12-57204675-G-A. GRCh37 (hg19) VCF-style: chr12-57598458-G-A.
Other names: short protein forms R3707H.
Identifiers: ClinVar variation 4976630 (VCV004976630.1).